The following is an entry in ClinVar:

ClinVar aggregate classification (germline): Uncertain significance. Review status: criteria provided, multiple submitters, no conflicts (2 of 4 stars). 2 submissions from 2 submitters: Uncertain significance (2). Last evaluated 2025-04-01.

Conditions:
Inborn genetic diseases. Identifiers: MedGen C0950123, MeSH D030342.

gnomAD v4.1: 1 of 1,611,474 alleles (0.000062%); highest among the groups gnomAD compares: Non-Finnish European, 0.000085%; no homozygotes.

Submissions (2):

Ambry Genetics
Classification: Uncertain significance for Inborn genetic diseases. Last evaluated: 2025-04-01. Review status: criteria provided, single submitter. Criteria: Ambry Variant Classification Scheme 2023. Collection method: clinical testing. Allele origin: germline.

Labcorp Genetics (formerly Invitae), Labcorp
Classification: Uncertain significance. Last evaluated: 2022-08-06. Review status: criteria provided, single submitter. Criteria: Invitae Variant Classification Sherloc (09022015). Collection method: clinical testing. Allele origin: germline.
Comment: This sequence change replaces histidine, which is basic and polar, with tyrosine, which is neutral and polar, at codon 495 of the WFS1 protein (p.His495Tyr). This variant is present in population databases (rs766488272, gnomAD 0.0009%). In summary, the available evidence is currently insufficient to determine the role of this variant in disease. Therefore, it has been classified as a Variant of Uncertain Significance. Advanced modeling of protein sequence and biophysical properties (such as structural, functional, and spatial information, amino acid conservation, physicochemical variation, residue mobility, and thermodynamic stability) performed at Invitae indicates that this missense variant is not expected to disrupt WFS1 protein function. This variant has not been reported in the literature in individuals affected with WFS1-related conditions.

NM_006005.3(WFS1):c.1483C>T (p.His495Tyr)

Gene: WFS1 (wolframin ER transmembrane glycoprotein; plus strand). Cytogenetic location: 4p16.1.
Variant type: single nucleotide variant.
Coding change: c.1483C>T on transcript NM_006005.3 (MANE Select); coding-DNA position 1483, C replaced by T.
Protein change: p.His495Tyr; replaces histidine 495 with tyrosine.
Molecular consequence: missense variant.
Genome position (GRCh38, 1-based): chr4:6,301,278, C>T. VCF-style: chr4-6301278-C-T. GRCh37 (hg19) VCF-style: chr4-6303005-C-T.
Other names: c.1483C>T, p.His495Tyr (NM_001145853.1); short protein forms H495Y.
Identifiers: ClinVar variation 2170893 (VCV002170893.5), dbSNP rs766488272, ClinGen allele CA2839370.